The following is an entry in ClinVar:

NM_130398.4(EXO1):c.1061A>G (p.His354Arg)

Gene: EXO1 (exonuclease 1; plus strand). Cytogenetic location: 1q43.
Variant type: single nucleotide variant.
Coding change: c.1061A>G on transcript NM_130398.4 (MANE Select); coding-DNA position 1061, A replaced by G.
Protein change: p.His354Arg; replaces histidine 354 with arginine.
Molecular consequence: missense variant.
Genome position (GRCh38, 1-based): chr1:241,866,849, A>G. VCF-style: chr1-241866849-A-G. GRCh37 (hg19) VCF-style: chr1-242030151-A-G.
Other names: c.1061A>G, p.His354Arg (NM_001319224.2, NM_003686.4, NM_006027.4); short protein forms H354R.
Identifiers: ClinVar variation 3060962 (VCV003060962.3), dbSNP rs735943, ClinGen allele CA1481259.
Genomic context (GRCh38, chr1:241,866,849, plus strand): 5'-TTTTCTTTCTGCAAATAATCTTTTTCCTTTTCCTTTTCTAGCCTGCCCATTCAAGAAGTC[A>G]TAGTTGGGATGACAAAACATGTCAAAAGTCAGCTAATGTTAGCAGCATTTGGCATAGGAA-3'
Protein context (NP_569082.2, residues 344-364): DTAMPAHSRS[His354Arg]SWDDKTCQKS

ClinVar aggregate classification (germline): Benign. Review status: criteria provided, single submitter (1 of 4 stars). 2 submissions from 2 submitters: Benign (1). 1 of the submissions does not count toward it. Last evaluated 2024-11-26.

Conditions:
EXO1-related disorder. Also called: EXO1-related condition.

Allele frequency attached by ClinVar (database versions not stated): gnomAD exomes 0.56403; ESP Exome Variant Server 0.56743; ExAC 0.59296; gnomAD 0.59356; TOPMed 0.60047; 1000 Genomes Project 30x 0.63507; 1000 Genomes Project 0.63698.

Submissions (2):

Blueprint Genetics
Classification: Benign. Last evaluated: 2024-11-26. Review status: criteria provided, single submitter. Criteria: ACMG Guidelines, 2015. Collection method: clinical testing. Allele origin: germline.

PreventionGenetics, part of Exact Sciences
Classification: Benign for EXO1-related condition. Last evaluated: 2019-10-17. Review status: no assertion criteria provided. Collection method: clinical testing. Allele origin: germline. Not counted in ClinVar's aggregate classification.
Comment: This variant is classified as benign based on ACMG/AMP sequence variant interpretation guidelines (Richards et al. 2015 PMID: 25741868, with internal and published modifications).